The following is an entry in ClinVar:

ClinVar aggregate classification (germline): Conflicting classifications of pathogenicity. Review status: criteria provided, conflicting classifications (1 of 4 stars). 2 submissions from 2 submitters: Uncertain significance (1); Likely benign (1). Last evaluated 2025-06-28.

Conditions:
Adams-Oliver syndrome 5 (AOS5). Identifiers: Orphanet 974, MedGen C4014970, MONDO:0014459, OMIM 616028.
Familial thoracic aortic aneurysm and aortic dissection (TAAD). Also called: Thoracic aortic aneurysms and dissections. Identifiers: Orphanet 91387, MedGen C4707243, MONDO:0019625.

Allele frequency attached by ClinVar (database versions not stated): gnomAD exomes below 0.00001.
gnomAD v4.1: 4 of 1,612,790 alleles (0.00025%); highest among the groups gnomAD compares: South Asian, 0.0044%; no homozygotes.

Submissions (2):

Ambry Genetics
Classification: Uncertain significance for Familial thoracic aortic aneurysm and aortic dissection. Last evaluated: 2025-06-28. Review status: criteria provided, single submitter. Criteria: Ambry Variant Classification Scheme 2023. Collection method: clinical testing. Allele origin: germline.
Comment: The p.A2178T variant (also known as c.6532G>A), located in coding exon 34 of the NOTCH1 gene, results from a G to A substitution at nucleotide position 6532. The alanine at codon 2178 is replaced by threonine, an amino acid with similar properties. This amino acid position is conserved. In addition, this alteration is predicted to be tolerated by in silico analysis. Based on the available evidence, the clinical significance of this variant remains unclear.

Labcorp Genetics (formerly Invitae), Labcorp
Classification: Likely benign for Adams-Oliver syndrome 5. Last evaluated: 2022-12-06. Review status: criteria provided, single submitter. Criteria: Invitae Variant Classification Sherloc (09022015). Collection method: clinical testing. Allele origin: germline.

NM_017617.5(NOTCH1):c.6532G>A (p.Ala2178Thr)

Gene: NOTCH1 (notch receptor 1; minus strand). Cytogenetic location: 9q34.3.
Variant type: single nucleotide variant.
Coding change: c.6532G>A on transcript NM_017617.5 (MANE Select); coding-DNA position 6532, G replaced by A.
Protein change: p.Ala2178Thr; replaces alanine 2178 with threonine.
Molecular consequence: missense variant.
Genome position (GRCh38, 1-based): chr9:136,497,207, C>T on the plus strand (G>A on the coding strand, the complement: NOTCH1 is on the minus strand). VCF-style: chr9-136497207-C-T. GRCh37 (hg19) VCF-style: chr9-139391659-C-T.
Other names: c.6532G>A, p.Ala2178Thr (LRG_1122t1); short protein forms A2178T.
Identifiers: ClinVar variation 642265 (VCV000642265.12), dbSNP rs1197184303, ClinGen allele CA375631372.